The following is an entry in ClinVar:

NM_006031.6(PCNT):c.2496C>T (p.Asp832=)

Gene: PCNT (pericentrin; plus strand). Cytogenetic location: 21q22.3.
Variant type: single nucleotide variant.
Coding change: c.2496C>T on transcript NM_006031.6 (MANE Select); coding-DNA position 2496, C replaced by T.
Protein change: p.Asp832=; no amino-acid change (aspartic acid 832 retained).
Molecular consequence: synonymous variant.
Genome position (GRCh38, 1-based): chr21:46,363,821, C>T. VCF-style: chr21-46363821-C-T. GRCh37 (hg19) VCF-style: chr21-47783736-C-T.
Other names: c.2142C>T, p.Asp714= (NM_001315529.2); c.2496C>T (NM_006031.5).
Identifiers: ClinVar variation 2716300 (VCV002716300.6), dbSNP rs553359317, ClinGen allele CA10078986.

ClinVar aggregate classification (germline): Likely benign. Review status: criteria provided, multiple submitters, no conflicts (2 of 4 stars). 3 submissions from 3 submitters: Likely benign (2). 1 of the submissions does not count toward it. Last evaluated 2024-08-09.

Conditions:
PCNT-related disorder. Also called: PCNT-related condition.

Allele frequency attached by ClinVar (database versions not stated): TOPMed 0.00003; gnomAD 0.00005; ExAC 0.00006; 1000 Genomes Project 30x 0.00031; 1000 Genomes Project 0.00040.
gnomAD v4.1: 34 of 1,612,480 alleles (0.0021%); highest among the groups gnomAD compares: East Asian, 0.02%; no homozygotes.

Submissions (3):

Blueprint Genetics
Classification: Likely benign. Last evaluated: 2024-08-09. Review status: criteria provided, single submitter. Criteria: ACMG Guidelines, 2015. Collection method: clinical testing. Allele origin: germline.

Labcorp Genetics (formerly Invitae), Labcorp
Classification: Likely benign. Last evaluated: 2024-01-05. Review status: criteria provided, single submitter. Criteria: Invitae Variant Classification Sherloc (09022015). Collection method: clinical testing. Allele origin: germline.

PreventionGenetics, part of Exact Sciences
Classification: Likely benign for PCNT-related condition. Last evaluated: 2023-02-16. Review status: no assertion criteria provided. Collection method: clinical testing. Allele origin: germline. Not counted in ClinVar's aggregate classification.
Comment: This variant is classified as likely benign based on ACMG/AMP sequence variant interpretation guidelines (Richards et al. 2015 PMID: 25741868, with internal and published modifications).